The following is an entry in ClinVar:

ClinVar aggregate classification (germline): Uncertain significance (1 of 4 stars; one submission).

Conditions:
Hereditary spastic paraplegia 4. Also called: Spastic paraplegia 4, autosomal dominant; Familial spastic paraplegia autosomal dominant 2; Spastic Paraplegia 4. Identifiers: Orphanet 100985, MedGen C1866855, MONDO:0008438, OMIM 182601.

gnomAD v4.1: 1 of 1,611,932 alleles (0.000062%); no homozygotes.

Submission:

Labcorp Genetics (formerly Invitae), Labcorp
Classification: Uncertain significance for Hereditary spastic paraplegia 4. Last evaluated: 2022-08-21. Review status: criteria provided, single submitter. Criteria: Invitae Variant Classification Sherloc (09022015). Collection method: clinical testing. Allele origin: germline.
Comment: In summary, the available evidence is currently insufficient to determine the role of this variant in disease. Therefore, it has been classified as a Variant of Uncertain Significance. Advanced modeling of protein sequence and biophysical properties (such as structural, functional, and spatial information, amino acid conservation, physicochemical variation, residue mobility, and thermodynamic stability) performed at Invitae indicates that this missense variant is expected to disrupt SPAST protein function. ClinVar contains an entry for this variant (Variation ID: 468569). This variant has not been reported in the literature in individuals affected with SPAST-related conditions. This variant is not present in population databases (gnomAD no frequency). This sequence change replaces proline, which is neutral and non-polar, with threonine, which is neutral and polar, at codon 509 of the SPAST protein (p.Pro509Thr).

NM_014946.4(SPAST):c.1525C>A (p.Pro509Thr)

Gene: SPAST (spastin; plus strand). Cytogenetic location: 2p22.3.
Variant type: single nucleotide variant.
Coding change: c.1525C>A on transcript NM_014946.4 (MANE Select); coding-DNA position 1525, C replaced by A.
Protein change: p.Pro509Thr; replaces proline 509 with threonine.
Molecular consequence: missense variant.
Genome position (GRCh38, 1-based): chr2:32,141,935, C>A. VCF-style: chr2-32141935-C-A. GRCh37 (hg19) VCF-style: chr2-32367004-C-A.
Other names: c.1522C>A, p.Pro508Thr (NM_001363823.2); c.1426C>A, p.Pro476Thr (NM_001363875.2); c.1429C>A, p.Pro477Thr (NM_001377959.1, NM_199436.2); short protein forms P509T, P477T, P476T, P508T.
Identifiers: ClinVar variation 468569 (VCV000468569.8), dbSNP rs1553319092, ClinGen allele CA346502947.